The following is an entry in ClinVar:

ClinVar aggregate classification (germline): Benign. Review status: criteria provided, multiple submitters, no conflicts (2 of 4 stars). 3 submissions from 3 submitters: Benign (3). Last evaluated 2024-07-15.

Allele frequency attached by ClinVar (database versions not stated): gnomAD 0.37557 and 0.38639; TOPMed 0.38196; gnomAD exomes 0.39783; 1000 Genomes Project 30x 0.48876; 1000 Genomes Project 0.50020.
gnomAD v4.1: 521,384 of 1,315,698 alleles (40%); highest among the groups gnomAD compares: East Asian, 86%; 110,632 homozygotes.

Submissions (3):

Unidad de Genómica Garrahan, Hospital de Pediatría Garrahan
Classification: Benign. Last evaluated: 2024-07-15. Review status: criteria provided, single submitter. Criteria: ACMG Guidelines, 2015. Collection method: clinical testing. Allele origin: germline. Affected: no. Observed: 52 variant alleles.
Comment: This variant is classified as Benign based on local population frequency. This variant was detected in 56% of patients studied in a panel designed for Epileptic and Developmental Encephalopathy and Progressive Myoclonus Epilepsy. Number of patients: 52. Only high quality variants are reported.

GeneDx
Classification: Benign. Last evaluated: 2018-06-25. Review status: criteria provided, single submitter. Criteria: GeneDx Variant Classification Process June 2021. Collection method: clinical testing. Allele origin: germline. Affected: yes.

Breakthrough Genomics
Classification: Benign. Review status: criteria provided, single submitter. Criteria: ACMG Guidelines, 2015. Collection method: not provided. Allele origin: germline. Inheritance: Autosomal dominant inheritance. Affected: yes.

NM_001271.4(CHD2):c.5154-76G>A

Gene: CHD2 (chromodomain helicase DNA binding protein 2; plus strand). Cytogenetic location: 15q26.1.
Variant type: single nucleotide variant.
Coding change: c.5154-76G>A on transcript NM_001271.4 (MANE Select); 76 bases into the intron before coding-DNA position 5154, G replaced by A.
Molecular consequence: intron variant.
Genome position (GRCh38, 1-based): chr15:93,024,296, G>A. VCF-style: chr15-93024296-G-A. GRCh37 (hg19) VCF-style: chr15-93567526-G-A.
Identifiers: ClinVar variation 1221827 (VCV001221827.6), dbSNP rs28558199, ClinGen allele CA14165516.